The following is an entry in ClinVar:

ClinVar aggregate classification (germline): Likely pathogenic. Review status: criteria provided, multiple submitters, no conflicts (2 of 4 stars). 7 submissions from 3 submitters: Likely pathogenic (2). 5 of the submissions do not count toward it. Last evaluated 2025-03-19.

Conditions:
Cardiovascular phenotype. Identifiers: MedGen CN230736.
Myosin storage myopathy (CMYO7A). Also called: MYH7-related late-onset scapuloperoneal muscular dystrophy; Congenital myopathy 7A, myosin storage, autosomal dominant; MYOPATHY WITH LYSIS OF TYPE I MYOFIBRILS; SCAPULOPERONEAL MUSCULAR DYSTROPHY; SCAPULOPERONEAL SYNDROME, MYOPATHIC TYPE; MYOPATHY, HYALINE BODY, AUTOSOMAL DOMINANT. Identifiers: Orphanet 437572, Orphanet 636965, MedGen C1842160, MONDO:0008409, OMIM 608358.
Myopathy, myosin storage, autosomal recessive (CMYO7B). Also called: CONGENITAL MYOPATHY 7B, MYOSIN STORAGE, AUTOSOMAL RECESSIVE. Identifiers: Orphanet 636970, MedGen C1850709, MONDO:0009708, OMIM 255160.
MYH7-related skeletal myopathy. Also called: Laing early-onset distal myopathy; Laing distal myopathy; Myopathy, distal, 1; MYOPATHY, DISTAL, EARLY-ONSET, AUTOSOMAL DOMINANT; MYOPATHY, LATE DISTAL HEREDITARY. Identifiers: Orphanet 59135, MedGen C4552004, MONDO:0008050, OMIM 160500.
Hypertrophic cardiomyopathy 1 (CMH1). Also called: Familial hypertrophic cardiomyopathy 1; MYH7-Related Familial Hypertrophic Cardiomyopathy. Identifiers: MedGen C3495498, MONDO:0008647, OMIM 192600.
Dilated cardiomyopathy 1S (CMD1S). Identifiers: Orphanet 154, Orphanet 54260, MedGen C1834481, MONDO:0013262, OMIM 613426.
Hypertrophic cardiomyopathy. Also called: HYPERTROPHIC MYOCARDIOPATHY. Identifiers: Orphanet 217569, MedGen C0007194, MeSH D002312, MONDO:0005045, HP:0001639.

Submissions (7):

Ambry Genetics
Classification: Likely pathogenic for Cardiovascular phenotype. Last evaluated: 2025-03-19. Review status: criteria provided, single submitter. Criteria: Ambry Variant Classification Scheme 2023. Collection method: clinical testing. Allele origin: germline.
Comment: The p.R249G variant (also known as c.745C>G), located in coding exon 7 of the MYH7 gene, results from a C to G substitution at nucleotide position 745. The arginine at codon 249 is replaced by glycine, an amino acid with dissimilar properties. This variant was reported in individual(s) with features consistent with hypertrophic cardiomyopathy (HCM) and left ventricular non-compaction (LVNC) (Tian T et al. Heart Vessels, 2015 Mar;30:258-64; Mademont-Soler I et al. PLoS One, 2017 Aug;12:e0181465; Ambry internal data). Another variant at the same codon, p.R249Q (c.746G>A), has been identified in individual(s) with features consistent with HCM (Rosenzweig A et al. N. Engl. J. Med. 1991;325:1753-60). This alteration is located in the myosin head domain, which contains a statistically significant clustering of pathogenic missense variants (Homburger JR et al. Proc Natl Acad Sci U S A, 2016 06;113:6701-6; Walsh R et al. Genet Med, 2017 02;19:192-203; Ambry internal data). This amino acid position is highly conserved in available vertebrate species. In addition, this alteration is predicted to be deleterious by in silico analysis. This variant is considered to be rare based on population cohorts in the Genome Aggregation Database (gnomAD). Based on the majority of available evidence to date, this variant is likely to be pathogenic.

Labcorp Genetics (formerly Invitae), Labcorp
Classification: Likely pathogenic for Hypertrophic cardiomyopathy. Last evaluated: 2023-06-13. Review status: criteria provided, single submitter. Criteria: Invitae Variant Classification Sherloc (09022015). Collection method: clinical testing. Allele origin: germline.
Comment: In summary, the currently available evidence indicates that the variant is pathogenic, but additional data are needed to prove that conclusively. Therefore, this variant has been classified as Likely Pathogenic. This variant is found within a region of MYH7 between codons 181 and 937 that contains the majority of the myosin head domain. Missense variants in this region have been shown to be significantly overrepresented in individuals with hypertrophic cardiomyopathy (PMID: 27532257). Advanced modeling of protein sequence and biophysical properties (such as structural, functional, and spatial information, amino acid conservation, physicochemical variation, residue mobility, and thermodynamic stability) performed at Invitae indicates that this missense variant is expected to disrupt MYH7 protein function. ClinVar contains an entry for this variant (Variation ID: 181322). This missense change has been observed in individual(s) with hypertrophic cardiomyopathy or left ventricular non-compaction (PMID: 24691700, 28771489). This variant is not present in population databases (gnomAD no frequency). This sequence change replaces arginine, which is basic and polar, with glycine, which is neutral and non-polar, at codon 249 of the MYH7 protein (p.Arg249Gly).

Phosphorus, Inc.
Classification: Uncertain significance for Dilated cardiomyopathy 1S. Last evaluated: 2017-08-01. Review status: flagged submission. Criteria: ACMG Guidelines, 2015. Collection method: clinical testing. Allele origin: germline. Observed: 2 variant alleles. Not counted in ClinVar's aggregate classification.
ClinVar note: Reason: Older claim that does not account for recent evidence

Phosphorus, Inc.
Classification: Uncertain significance for Hypertrophic cardiomyopathy 1. Last evaluated: 2017-08-01. Review status: flagged submission. Criteria: ACMG Guidelines, 2015. Collection method: clinical testing. Allele origin: germline. Observed: 1 variant allele. Not counted in ClinVar's aggregate classification.
ClinVar note: Reason: Older claim that does not account for recent evidence

Phosphorus, Inc.
Classification: Uncertain significance for MYH7-related skeletal myopathy. Last evaluated: 2017-08-01. Review status: flagged submission. Criteria: ACMG Guidelines, 2015. Collection method: clinical testing. Allele origin: germline. Observed: 1 variant allele. Not counted in ClinVar's aggregate classification.
ClinVar note: Reason: Older claim that does not account for recent evidence

Phosphorus, Inc.
Classification: Uncertain significance for Myosin storage myopathy. Last evaluated: 2017-08-01. Review status: flagged submission. Criteria: ACMG Guidelines, 2015. Collection method: clinical testing. Allele origin: germline. Observed: 1 variant allele. Not counted in ClinVar's aggregate classification.
ClinVar note: Reason: Older claim that does not account for recent evidence

Phosphorus, Inc.
Classification: Uncertain significance for Myopathy, myosin storage, autosomal recessive. Last evaluated: 2017-08-01. Review status: flagged submission. Criteria: ACMG Guidelines, 2015. Collection method: clinical testing. Allele origin: germline. Observed: 1 variant allele. Not counted in ClinVar's aggregate classification.
ClinVar note: Reason: Older claim that does not account for recent evidence

Literature cited by the submitters: PubMed 24691700 (cited by 3 submitters); PubMed 28771489 (cited by Ambry Genetics and Labcorp Genetics (formerly Invitae), Labcorp); PubMed 27532257 (cited by Labcorp Genetics (formerly Invitae), Labcorp); PubMed 27066506 (cited by Phosphorus, Inc.).

NM_000257.4(MYH7):c.745C>G (p.Arg249Gly)

Gene: MYH7 (myosin heavy chain 7; minus strand). Cytogenetic location: 14q11.2.
Variant type: single nucleotide variant.
Coding change: c.745C>G on transcript NM_000257.4 (MANE Select); coding-DNA position 745, C replaced by G.
Protein change: p.Arg249Gly; replaces arginine 249 with glycine.
Molecular consequence: missense variant.
Genome position (GRCh38, 1-based): chr14:23,431,469, G>C on the plus strand (C>G on the coding strand, the complement: MYH7 is on the minus strand). VCF-style: chr14-23431469-G-C. GRCh37 (hg19) VCF-style: chr14-23900678-G-C.
Other names: short protein forms R249G.
Identifiers: ClinVar variation 181322 (VCV000181322.13), dbSNP rs730880852, ClinGen allele CA016774.